The following is an entry in ClinVar:

NM_006206.6(PDGFRA):c.3123-1G>A

Gene: PDGFRA (platelet derived growth factor receptor alpha; plus strand). Cytogenetic location: 4q12.
Variant type: single nucleotide variant.
Coding change: c.3123-1G>A on transcript NM_006206.6 (MANE Select); the canonical splice acceptor site of the intron before coding-DNA position 3123, G replaced by A.
Molecular consequence: splice acceptor variant.
Genome position (GRCh38, 1-based): chr4:54,295,124, G>A. VCF-style: chr4-54295124-G-A. GRCh37 (hg19) VCF-style: chr4-55161291-G-A.
Other names: c.3198-1G>A (NM_001347828.2); c.3123-1G>A (NM_001347829.2); c.3162-1G>A (NM_001347830.2).
Identifiers: ClinVar variation 5026453 (VCV005026453.1).

ClinVar aggregate classification (germline): Uncertain significance (1 of 4 stars; one submission).

Conditions:
Hereditary cancer-predisposing syndrome. Also called: Neoplastic Syndromes, Hereditary; Tumor predisposition; Hereditary neoplastic syndrome; Hereditary Cancer Syndrome. Identifiers: Orphanet 140162, MedGen C0027672, MeSH D009386, MONDO:0015356.

Submission:

Ambry Genetics
Classification: Uncertain significance for Hereditary cancer-predisposing syndrome. Last evaluated: 2026-09-03. Review status: criteria provided, single submitter. Criteria: Ambry Variant Classification Scheme 2023. Collection method: clinical testing. Allele origin: germline.
Comment: The c.3123-1G>A intronic variant results from a G to A substitution one nucleotide upstream from coding exon 22 of the PDGFRA gene. This nucleotide position is highly conserved in available vertebrate species. In silico splice site analysis predicts that this alteration will weaken the native splice acceptor site and will result in the creation or strengthening of a novel splice acceptor site. Variants that disrupt the canonical splice site are expected to cause aberrant splicing, resulting in an abnormal protein or a transcript that is subject to nonsense-mediated mRNA decay. However, loss of function has not been established as a mechanism of disease. Based on the available evidence, the clinical significance of this variant remains unclear.